The following is an entry in ClinVar:

NM_139315.3(TAF6):c.1905G>A (p.Pro635=)

Genes: AP4M1 (adaptor related protein complex 4 subunit mu 1; plus strand), TAF6 (TATA-box binding protein associated factor 6; minus strand). Cytogenetic location: 7q22.1.
Variant type: single nucleotide variant.
Coding change: c.1905G>A on transcript NM_139315.3 (MANE Select); coding-DNA position 1905, G replaced by A.
Protein change: p.Pro635=; no amino-acid change (proline 635 retained).
Molecular consequence: synonymous variant. On other transcripts: non-coding transcript variant (1), 3 prime UTR variant (2).
Genome position (GRCh38, 1-based): chr7:100,107,375, C>T on the plus strand (G>A on the coding strand, the complement: TAF6 is on the minus strand). VCF-style: chr7-100107375-C-T. GRCh37 (hg19) VCF-style: chr7-99704998-C-T.
Other names: c.2016G>A, p.Pro672= (NM_001190415.2); c.1905G>A, p.Pro635= (NM_001364998.1, NM_001364999.1, NM_005641.4); c.1875G>A, p.Pro625= (NM_001365000.1, NM_001365001.1, NM_001365002.1 and 1 more transcripts); c.2043G>A, p.Pro681= (NM_001365004.1); c.*493C>T (NM_001363671.2, NM_004722.4).
Identifiers: ClinVar variation 2657732 (VCV002657732.24), dbSNP rs185657098, ClinGen allele CA163221034.

ClinVar aggregate classification (germline): Likely benign (1 of 4 stars; one submission).

Allele frequency attached by ClinVar (database versions not stated): TOPMed 0.00001; gnomAD 0.00002; 1000 Genomes Project 30x 0.00016; 1000 Genomes Project 0.00020.
gnomAD v4.1: 33 of 1,587,848 alleles (0.0021%); highest among the groups gnomAD compares: Middle Eastern, 0.051%; no homozygotes.

Submission:

CeGaT Center for Human Genetics Tuebingen
Classification: Likely benign. Last evaluated: 2025-07-01. Review status: criteria provided, single submitter. Criteria: CeGaT Center For Human Genetics Tuebingen Variant Classification Criteria Version 2. Collection method: clinical testing. Allele origin: germline. Affected: yes. Observed: 2 variant alleles.
Comment: TAF6: BP4, BP7